The following is an entry in ClinVar:

NM_000059.4(BRCA2):c.793+6T>C

Gene: BRCA2 (BRCA2 DNA repair associated; plus strand). Cytogenetic location: 13q13.1.
Variant type: single nucleotide variant.
Coding change: c.793+6T>C on transcript NM_000059.4 (MANE Select); 6 bases into the intron after coding-DNA position 793, T replaced by C.
Molecular consequence: intron variant.
Genome position (GRCh38, 1-based): chr13:32,331,036, T>C. VCF-style: chr13-32331036-T-C. GRCh37 (hg19) VCF-style: chr13-32905173-T-C.
Identifiers: ClinVar variation 433757 (VCV000433757.15), dbSNP rs1222477192, ClinGen allele CA645372987.
Genomic context (GRCh38, chr13:32,331,036, plus strand): 5'-ATCGCTTCTGTGACAGACAGTGAAAACACAAATCAAAGAGAAGCTGCAAGTCATGGTAAG[T>C]CCTCTGTTTAGTTGAACTACAGGTTTTTTTGTTGTTGTTGTTTTGATTTTTTTTTTTTGA-3'

ClinVar aggregate classification (germline): Likely benign. Review status: criteria provided, multiple submitters, no conflicts (2 of 4 stars). 4 submissions from 4 submitters: Likely benign (2). 2 of the submissions do not count toward it. Last evaluated 2025-08-26.

Conditions:
Hereditary cancer-predisposing syndrome. Also called: Hereditary Cancer Syndrome; Hereditary neoplastic syndrome; Neoplastic Syndromes, Hereditary; Tumor predisposition. Identifiers: Orphanet 140162, MedGen C0027672, MeSH D009386, MONDO:0015356.
Hereditary breast ovarian cancer syndrome. Also called: Hereditary breast and ovarian cancer syndrome (HBOC); Breast and ovarian cancer; BRCA1- and BRCA2-Associated Hereditary Breast and Ovarian Cancer; Hereditary breast and/or ovarian cancer syndrome; Hereditary breast and ovarian cancer; Hereditary breast and ovarian cancer syndrome. Identifiers: Orphanet 145, MedGen C0677776, MeSH D061325, MONDO:0003582. Disease mechanism: loss of function.
Malignant tumor of breast. Also called: Malignant breast neoplasm; Cancer breast. Identifiers: MedGen C0006142, MONDO:0007254. Disease mechanism: loss of function.

Allele frequency attached by ClinVar (database versions not stated): TOPMed below 0.00001; gnomAD 0.00001; gnomAD exomes 0.00001.
gnomAD v4.1: 8 of 1,592,774 alleles (0.0005%); highest among the groups gnomAD compares: Non-Finnish European, 0.00069%; no homozygotes.

Submissions (4):

Labcorp Genetics (formerly Invitae), Labcorp
Classification: Likely benign for Hereditary breast ovarian cancer syndrome. Last evaluated: 2025-08-26. Review status: criteria provided, single submitter. Criteria: Invitae Variant Classification Sherloc (09022015). Collection method: clinical testing. Allele origin: germline.

Color Diagnostics, LLC DBA Color Health
Classification: Likely benign for Hereditary cancer-predisposing syndrome. Last evaluated: 2016-05-10. Review status: criteria provided, single submitter. Criteria: ACMG Guidelines, 2015. Collection method: clinical testing. Allele origin: germline.

Mayo Clinic Laboratories, Mayo Clinic
Classification: Uncertain significance. Last evaluated: 2017-08-31. Review status: no assertion criteria provided. Collection method: clinical testing. Allele origin: unknown. Not counted in ClinVar's aggregate classification.

Department of Pathology and Laboratory Medicine, Sinai Health System
Classification: Uncertain significance for Malignant tumor of breast. Review status: no assertion criteria provided. Collection method: clinical testing. Allele origin: unknown. Affected: yes. Study: The Canadian Open Genetics Repository (COGR). Not counted in ClinVar's aggregate classification.
Comment: The BRCA2 c.793+6T>C variant was not identified in the literature nor was it identified in the dbSNP, HGMD, UMD, COSMIC, BIC or LOVD databases. This variant is located in the 5' splice region but does not affect the invariant +1 and +2 positions. However, positions +3 to +6 are part of the splicing consensus sequence and variants involving these positions sometimes affect splicing. In-silico or computational prediction software (SpliceSiteFinder, MaxEntScan, NNSPLICE, GeneSplicer, HumanSpliceFinder) does not predict a greater than 10% difference in splicing in all 5 programs. However, this information is not predictive enough to rule out pathogenicity. In summary, based on the above information the clinical significance of this variant cannot be determined at this time. Therefore, this variant is classified as a variant of unknown significance.